The following is an entry in ClinVar:

ClinVar aggregate classification (germline): Pathogenic. Review status: criteria provided, multiple submitters, no conflicts (2 of 4 stars). 3 submissions from 3 submitters: Pathogenic (3). Last evaluated 2025-11-18.

Conditions:
Polycystic kidney disease, adult type (PKD1). Also called: Polycystic Kidney, Autosomal Dominant; Polycystic Kidney Disease 1, Autosomal Dominant; Polycystic kidney disease 1; Polycystic kidney disease 1, severe; POLYCYSTIC KIDNEY DISEASE, ADULT, TYPE I; POLYCYSTIC KIDNEY DISEASE 1 WITH OR WITHOUT POLYCYSTIC LIVER DISEASE. Identifiers: MedGen C3149841, MONDO:0008263, OMIM 173900.
PKD1-related disorder. Also called: PKD1-related condition.

Submissions (3):

Women's Health and Genetics/Laboratory Corporation of America, LabCorp
Classification: Pathogenic for Polycystic kidney disease, adult type. Last evaluated: 2025-11-18. Review status: criteria provided, single submitter. Criteria: LabCorp Variant Classification Summary - May 2015. Collection method: clinical testing. Allele origin: germline.
Comment: Variant summary: PKD1 c.7113_7114delGT (p.Ser2372LeufsX47), also called "7324delGT", results in a premature termination codon, predicted to cause a truncation of the encoded protein or absence of the protein due to nonsense mediated decay, which are commonly known mechanisms for disease. The variant was absent in 219324 control chromosomes. c.7113_7114delGT has been observed in at least 1 individual(s) affected with autosomal dominant Polycystic Kidney Disease 1 (example, Rossetti_2001). The following publication has been ascertained in the context of this evaluation (PMID: 11115377). ClinVar contains an entry for this variant (Variation ID: 586292). Based on the evidence outlined above, the variant was classified as pathogenic.

Blueprint Genetics
Classification: Pathogenic for PKD1-related disorders. Last evaluated: 2020-09-07. Review status: criteria provided, single submitter. Criteria: ACMG Guidelines, 2015. Collection method: clinical testing. Allele origin: germline. Affected: yes. Observed: 2 variant alleles.

Athena Diagnostics
Classification: Pathogenic. Last evaluated: 2017-10-30. Review status: criteria provided, single submitter. Criteria: Athena Diagnostics Criteria. Collection method: clinical testing. Allele origin: germline.

Literature cited by the submitters: PubMed 11115377 (cited by Women's Health and Genetics/Laboratory Corporation of America, LabCorp and Athena Diagnostics); PubMed 27499327 (cited by Athena Diagnostics).

NM_001009944.3(PKD1):c.7113_7114del (p.Ser2372fs)

Gene: PKD1 (polycystin 1, transient receptor potential channel interacting; minus strand). Cytogenetic location: 16p13.3.
Variant type: Microsatellite.
Coding change: c.7113_7114del on transcript NM_001009944.3 (MANE Select); coding-DNA positions 7113 to 7114, 2 bases deleted (GT; older notation c.7113_7114delGT).
Protein change: p.Ser2372fs; shifts the reading frame from serine 2372.
Molecular consequence: frameshift variant.
Genome position (GRCh38, 1-based): chr16:2,106,900-2,106,901, AC deleted on the plus strand (GT on the coding strand, the reverse complement: PKD1 is on the minus strand); deleting any 2 consecutive bases within chr16:2,106,900-2,106,907 gives the same sequence; the c. name uses the placement nearest the transcript's 3' end. VCF-style (leftmost placement, unchanged base first): chr16-2106899-GAC-G. GRCh37 (hg19) VCF-style: chr16-2156900-GAC-G.
Other names: c.7113_7114delGT (NM_001009944.3); c.7113_7114del, p.Ser2372fs (NM_000296.4); short protein forms S2372fs.
Identifiers: ClinVar variation 586292 (VCV000586292.3), dbSNP rs1567187389, ClinGen allele CA891843796.
Genomic context (GRCh38, chr16:2,106,899, plus strand): 5'-CGGCCCTCCAAGTACACGTAGGAGCTGCGGCTCACTTCGTACACGGCCTGTGCCTTGCAG[GAC>G]ACACACTCCAAGGACACAATGGGCACCCGGCCACTCCGGATCAGCACCTGGCGTGGGAGT-3'